The following is an entry in ClinVar:

ClinVar aggregate classification (germline): Pathogenic/Likely pathogenic. Review status: criteria provided, multiple submitters, no conflicts (2 of 4 stars). 4 submissions from 4 submitters: Pathogenic (1); Likely pathogenic (3). Last evaluated 2025-10-01.

Conditions:
Microcephaly, short stature, and impaired glucose metabolism 1 (MSSGM1). Identifiers: Orphanet 391408, MedGen C4014997, MONDO:0000208, OMIM 616033.

Allele frequency attached by ClinVar (database versions not stated): ExAC 0.00001; gnomAD exomes 0.00002; TOPMed 0.00003; gnomAD 0.00004 and 0.00005; 1000 Genomes Project 30x 0.00031.
gnomAD v4.1: 40 of 1,597,574 alleles (0.0025%); highest among the groups gnomAD compares: East Asian, 0.009%; no homozygotes.

Submissions (4):

Labcorp Genetics (formerly Invitae), Labcorp
Classification: Pathogenic. Last evaluated: 2025-10-01. Review status: criteria provided, single submitter. Criteria: Invitae Variant Classification Sherloc (09022015). Collection method: clinical testing. Allele origin: germline.
Comment: This sequence change creates a premature translational stop signal (p.Arg76*) in the TRMT10A gene. It is expected to result in an absent or disrupted protein product. Loss-of-function variants in TRMT10A are known to be pathogenic (PMID: 24204302, 26535115). This variant is present in population databases (rs748994888, gnomAD 0.006%). This variant has not been reported in the literature in individuals affected with TRMT10A-related conditions. ClinVar contains an entry for this variant (Variation ID: 1690555). For these reasons, this variant has been classified as Pathogenic.

Illumina Laboratory Services, Illumina
Classification: Likely pathogenic. Last evaluated: 2022-10-28. Review status: criteria provided, single submitter. Criteria: ICSL CNVClassificationCriteria Aug2020. Collection method: clinical testing. Allele origin: unknown. Affected: yes.
Comment: The TRMT10A c.226C>T (p.Arg76Ter) nonsense variant results in the substitution of arginine at amino acid position 76 with a stop codon. Loss of normal protein function through either protein truncation or nonsense-mediated mRNA decay is expected. To our knowledge, this variant has not been reported in the peer-reviewed literature. The highest frequency of this allele in the Genome Aggregation Database is 0.000074 in the European (non-Finnish) population (version 3.1.2). Based on the available evidence, the c.226C>T (p.Arg76Ter) variant is classified as likely pathogenic for microcephaly, short stature, and impaired glucose metabolism.

MGZ Medical Genetics Center
Classification: Likely pathogenic for Microcephaly, short stature, and impaired glucose metabolism 1. Last evaluated: 2022-06-22. Review status: criteria provided, single submitter. Criteria: ACMG Guidelines, 2015. Collection method: clinical testing. Allele origin: germline. Affected: yes. Observed: 1 variant allele.
Comment: ACMG criteria applied: PVS1, PM2_SUP

Laboratorio de Genetica e Diagnostico Molecular, Hospital Israelita Albert Einstein
Classification: Likely pathogenic. Last evaluated: 2022-01-27. Review status: criteria provided, single submitter. Criteria: ACMG Guidelines, 2015. Collection method: clinical testing. Allele origin: germline. Affected: yes.
Comment: ACMG classification criteria: PVS1, PM2

Literature cited by the submitters: PubMed 24204302 (cited by Labcorp Genetics (formerly Invitae), Labcorp); PubMed 26535115 (cited by Labcorp Genetics (formerly Invitae), Labcorp).

NM_001134665.3(TRMT10A):c.226C>T (p.Arg76Ter)

Gene: TRMT10A (tRNA methyltransferase 10A; minus strand). Cytogenetic location: 4q23.
Variant type: single nucleotide variant.
Coding change: c.226C>T on transcript NM_001134665.3 (MANE Select); coding-DNA position 226, C replaced by T.
Protein change: p.Arg76Ter; replaces arginine 76 with a stop codon.
Molecular consequence: nonsense.
Genome position (GRCh38, 1-based): chr4:99,558,171, G>A on the plus strand (C>T on the coding strand, the complement: TRMT10A is on the minus strand). VCF-style: chr4-99558171-G-A. GRCh37 (hg19) VCF-style: chr4-100479328-G-A.
Other names: c.226C>T, p.Arg76Ter (NM_001134666.3, NM_001375880.1, NM_001375881.1 and 2 more transcripts); short protein forms R76*.
Identifiers: ClinVar variation 1690555 (VCV001690555.12), dbSNP rs748994888, ClinGen allele CA3021599.